The following is an entry in ClinVar:

ClinVar aggregate classification (germline): Uncertain significance. Review status: criteria provided, multiple submitters, no conflicts (2 of 4 stars). 2 submissions from 2 submitters: Uncertain significance (2). Last evaluated 2025-12-07.

Conditions:
Inborn genetic diseases. Identifiers: MedGen C0950123, MeSH D030342.
CLDN14-related disorder. Also called: CLDN14-related condition.

Submissions (2):

PreventionGenetics, part of Exact Sciences
Classification: Uncertain significance for CLDN14-related condition. Last evaluated: 2025-12-07. Review status: criteria provided, single submitter. Criteria: ACMG Guidelines, 2015. Collection method: clinical testing. Allele origin: germline.
Comment: The CLDN14 c.221C>A variant is predicted to result in the amino acid substitution p.Pro74His. To our knowledge, this variant has not been reported in the literature or in a large population database (gnomAD), indicating this variant is rare. At this time, the clinical significance of this variant is uncertain due to the absence of conclusive functional and genetic evidence.

Ambry Genetics
Classification: Uncertain significance for Inborn genetic diseases. Last evaluated: 2025-10-15. Review status: criteria provided, single submitter. Criteria: Ambry Variant Classification Scheme 2023. Collection method: clinical testing. Allele origin: germline.

NM_001146079.2(CLDN14):c.221C>A (p.Pro74His)

Genes: CLDN14 (claudin 14; minus strand), CLDN14-AS1 (CLDN14 antisense RNA 1; plus strand). Cytogenetic location: 21q22.13.
Variant type: single nucleotide variant.
Coding change: c.221C>A on transcript NM_001146079.2 (MANE Select); coding-DNA position 221, C replaced by A.
Protein change: p.Pro74His; replaces proline 74 with histidine.
Molecular consequence: missense variant.
Genome position (GRCh38, 1-based): chr21:36,461,475, G>T on the plus strand (C>A on the coding strand, the complement: CLDN14 is on the minus strand). VCF-style: chr21-36461475-G-T. GRCh37 (hg19) VCF-style: chr21-37833773-G-T.
Other names: c.221C>A, p.Pro74His (NM_001146077.2, NM_001146078.3, NM_012130.4 and 1 more transcripts); c.221C>A (NM_001146077.1); short protein forms P74H.
Identifiers: ClinVar variation 4615945 (VCV004615945.2).
Genomic context (GRCh38, chr21:36,461,475, plus strand): 5'-GCTATGCCCGAGAGCAGGCAGGAGATGACCATGAGGGCGCGGGCAGCCTGGAGGTCTTGG[G>T]GCAGCGCCAGCAGGGATCGGTAGATCTGGCACTGGTAGATGCCTGTGCTGTGCCACACAC-3'
Protein context (NP_001139551.1, residues 64-84): CQIYRSLLAL[Pro74His]QDLQAARALM